The following is an entry in ClinVar:

NM_003738.5(PTCH2):c.1267G>A (p.Gly423Ser)

Gene: PTCH2 (patched 2; minus strand). Cytogenetic location: 1p34.1.
Variant type: single nucleotide variant.
Coding change: c.1267G>A on transcript NM_003738.5 (MANE Select); coding-DNA position 1267, G replaced by A.
Protein change: p.Gly423Ser; replaces glycine 423 with serine.
Molecular consequence: missense variant.
Genome position (GRCh38, 1-based): chr1:44,829,261, C>T on the plus strand (G>A on the coding strand, the complement: PTCH2 is on the minus strand). VCF-style: chr1-44829261-C-T. GRCh37 (hg19) VCF-style: chr1-45294933-C-T.
Other names: c.1267G>A, p.Gly423Ser (NM_001166292.2); short protein forms G423S.
Identifiers: ClinVar variation 409125 (VCV000409125.12), dbSNP rs371644875, ClinGen allele CA823367.

ClinVar aggregate classification (germline): Uncertain significance. Review status: criteria provided, multiple submitters, no conflicts (2 of 4 stars). 3 submissions from 3 submitters: Uncertain significance (3). Last evaluated 2025-03-11.

Conditions:
Gorlin syndrome. Also called: Nevoid Basal Cell Carcinoma Syndrome; Basal cell nevus syndrome. Identifiers: Orphanet 377, MedGen C0004779, MONDO:0007187.

Allele frequency attached by ClinVar (database versions not stated): gnomAD exomes 0.00001 and 0.00002; ExAC 0.00003; gnomAD 0.00004; TOPMed 0.00005; ESP Exome Variant Server 0.00008.
gnomAD v4.1: 10 of 1,613,414 alleles (0.00062%); highest among the groups gnomAD compares: African/African-American, 0.012%; no homozygotes.

Submissions (3):

Labcorp Genetics (formerly Invitae), Labcorp
Classification: Uncertain significance for Gorlin syndrome. Last evaluated: 2025-03-11. Review status: criteria provided, single submitter. Criteria: Invitae Variant Classification Sherloc (09022015). Collection method: clinical testing. Allele origin: germline.
Comment: This sequence change replaces glycine, which is neutral and non-polar, with serine, which is neutral and polar, at codon 423 of the PTCH2 protein (p.Gly423Ser). This variant is present in population databases (rs371644875, gnomAD 0.02%). This variant has not been reported in the literature in individuals affected with PTCH2-related conditions. ClinVar contains an entry for this variant (Variation ID: 409125). Invitae Evidence Modeling of protein sequence and biophysical properties (such as structural, functional, and spatial information, amino acid conservation, physicochemical variation, residue mobility, and thermodynamic stability) indicates that this missense variant is not expected to disrupt PTCH2 protein function with a negative predictive value of 80%. In summary, the available evidence is currently insufficient to determine the role of this variant in disease. Therefore, it has been classified as a Variant of Uncertain Significance.

Ambry Genetics
Classification: Uncertain significance. Last evaluated: 2025-02-28. Review status: criteria provided, single submitter. Criteria: Ambry Variant Classification Scheme 2023. Collection method: clinical testing. Allele origin: germline.

St. Jude Molecular Pathology, St. Jude Children's Research Hospital
Classification: Uncertain significance for Basal cell nevus syndrome 1. Last evaluated: 2023-11-13. Review status: criteria provided, single submitter. Criteria: St. Jude Assertion Criteria 2020. Collection method: clinical testing. Allele origin: germline.
Comment: The PTCH2 c.704G>A (p.Arg235Gln) missense change has a maximum subpopulation frequency of 0.020% in gnomAD v2.1.1. The in silico tool REVEL predicts a deleterious effect on protein function, but this prediction has not been confirmed by functional studies. This variant has not been reported in individuals with nevoid basal cell carcinoma syndrome. In summary, the evidence currently available is insufficient to determine the clinical significance of this variant. It has therefore been classified as of uncertain significance.